The following is an entry in ClinVar:

NM_000168.6(GLI3):c.629G>A (p.Ser210Asn)

Gene: GLI3 (GLI family zinc finger 3; minus strand). Cytogenetic location: 7p14.1.
Variant type: single nucleotide variant.
Coding change: c.629G>A on transcript NM_000168.6 (MANE Select); coding-DNA position 629, G replaced by A.
Protein change: p.Ser210Asn; replaces serine 210 with asparagine.
Molecular consequence: missense variant.
Genome position (GRCh38, 1-based): chr7:42,048,541, C>T on the plus strand (G>A on the coding strand, the complement: GLI3 is on the minus strand). VCF-style: chr7-42048541-C-T. GRCh37 (hg19) VCF-style: chr7-42088140-C-T.
Other names: short protein forms S210N.
Identifiers: ClinVar variation 4881286 (VCV004881286.2).
Genomic context (GRCh38, chr7:42,048,541, plus strand): 5'-CTGGACTTACCATCTGTAGGGCTCAGCCCACGGGTTGCTGAGATCATGGAGAGCGATGGG[C>T]TGCTGTGCAAGGAGCGGATATAGTCCATGTAGGGATTAATGTAGGGATGTGGAGGGCTGA-3'
Protein context (NP_000159.3, residues 200-220): YMDYIRSLHS[Ser210Asn]PSLSMISATR

ClinVar aggregate classification (germline): Uncertain significance (1 of 4 stars; one submission).

Submission:

Dasa
Classification: Uncertain significance. Last evaluated: 2025-02-17. Review status: criteria provided, single submitter. Criteria: DASA Assertion Criteria. Collection method: clinical testing. Allele origin: germline.
Comment: NM_000168.6(GLI3):c.629G>A (p.Ser210Asn) is a missense variant that results in the substitution of serine with asparagine. This variant is absent from population databases. Computational prediction algorithms are consistent with a benign effect. The currently available literature and clinical evidence are not sufficient to establish a definitive association between this variant and the reported condition. Therefore, this variant is classified as a variant of uncertain significance.